The following is an entry in ClinVar:

NM_004304.5(ALK):c.1332G>C (p.Trp444Cys)

Gene: ALK (ALK receptor tyrosine kinase; minus strand). Cytogenetic location: 2p23.2.
Variant type: single nucleotide variant.
Coding change: c.1332G>C on transcript NM_004304.5 (MANE Select); coding-DNA position 1332, G replaced by C.
Protein change: p.Trp444Cys; replaces tryptophan 444 with cysteine.
Molecular consequence: missense variant.
Genome position (GRCh38, 1-based): chr2:29,328,432, C>G on the plus strand (G>C on the coding strand, the complement: ALK is on the minus strand). VCF-style: chr2-29328432-C-G. GRCh37 (hg19) VCF-style: chr2-29551298-C-G.
Other names: short protein forms W444C.
Identifiers: ClinVar variation 3524150 (VCV003524150.1).

ClinVar aggregate classification (germline): Uncertain significance (1 of 4 stars; one submission).

Conditions:
Hereditary cancer-predisposing syndrome. Also called: Hereditary Cancer Syndrome; Hereditary neoplastic syndrome; Tumor predisposition; Neoplastic Syndromes, Hereditary. Identifiers: Orphanet 140162, MedGen C0027672, MeSH D009386, MONDO:0015356.

Submission:

Ambry Genetics
Classification: Uncertain significance for Hereditary cancer-predisposing syndrome. Last evaluated: 2024-07-24. Review status: criteria provided, single submitter. Criteria: Ambry Variant Classification Scheme 2023. Collection method: clinical testing. Allele origin: germline.
Comment: The p.W444C variant (also known as c.1332G>C), located in coding exon 6 of the ALK gene, results from a G to C substitution at nucleotide position 1332. The tryptophan at codon 444 is replaced by cysteine, an amino acid with highly dissimilar properties. This amino acid position is conserved. In addition, this alteration is predicted to be deleterious by in silico analysis. Based on the available evidence, the clinical significance of this variant remains unclear.